The following is an entry in ClinVar:

ClinVar aggregate classification (germline): Benign/Likely benign. Review status: criteria provided, multiple submitters, no conflicts (2 of 4 stars). 2 submissions from 2 submitters: Benign (1); Likely benign (1). Last evaluated 2025-05-20.

Conditions:
Hereditary cancer-predisposing syndrome. Also called: Neoplastic Syndromes, Hereditary; Tumor predisposition; Hereditary neoplastic syndrome; Hereditary Cancer Syndrome. Identifiers: Orphanet 140162, MedGen C0027672, MeSH D009386, MONDO:0015356.
Tuberous sclerosis 2 (TSC2). Identifiers: Orphanet 805, MedGen C1860707, MONDO:0013199, OMIM 613254.

Submissions (2):

Myriad Genetics, Inc.
Classification: Benign for Tuberous sclerosis 2. Last evaluated: 2025-05-20. Review status: criteria provided, single submitter. Criteria: Myriad Autosomal Dominant, Autosomal Recessive and X-Linked Classification Criteria (2023). Collection method: clinical testing. Allele origin: unknown.
Comment: This variant is considered benign. This variant is a silent/synonymous amino acid change and it is not expected to impact splicing.

Ambry Genetics
Classification: Likely benign for Hereditary cancer-predisposing syndrome. Last evaluated: 2022-07-25. Review status: criteria provided, single submitter. Criteria: Ambry Variant Classification Scheme 2023. Collection method: clinical testing. Allele origin: germline.

NM_000548.5(TSC2):c.2374C>T (p.Leu792=)

Gene: TSC2 (TSC complex subunit 2; plus strand). Cytogenetic location: 16p13.3.
Variant type: single nucleotide variant.
Coding change: c.2374C>T on transcript NM_000548.5 (MANE Select); coding-DNA position 2374, C replaced by T.
Protein change: p.Leu792=; no amino-acid change (leucine 792 retained).
Molecular consequence: synonymous variant. On other transcripts: non-coding transcript variant (5).
Genome position (GRCh38, 1-based): chr16:2,074,218, C>T. VCF-style: chr16-2074218-C-T. GRCh37 (hg19) VCF-style: chr16-2124219-C-T.
Other names: c.2263C>T, p.Leu755= (NM_001406678.1, NM_001406670.1, NM_001318827.2); c.2227C>T, p.Leu743= (NM_001406679.1, NM_001406675.1, NM_001406676.1 and 1 more transcripts); c.1774C>T, p.Leu592= (NM_001406680.1, NM_001406682.1, NM_001406683.1 and 6 more transcripts); c.1912C>T, p.Leu638= (NM_001406681.1); c.1030C>T, p.Leu344= (NM_001406689.1, NM_001406690.1, NM_001406691.1 and 6 more transcripts); c.772C>T, p.Leu258= (NM_001406698.1); c.2374C>T, p.Leu792= (NM_021055.3, NM_001077183.3, NM_001114382.3 and 6 more transcripts); c.2362C>T, p.Leu788= (NM_001406671.1, NM_001406673.1); and 3 more.
Identifiers: ClinVar variation 1790338 (VCV001790338.3), dbSNP rs2543812488, ClinGen allele CA492953033.